The following is an entry in ClinVar:

ClinVar aggregate classification (germline): Uncertain significance (1 of 4 stars; one submission).

Conditions:
Early-infantile DEE. Also called: Ohtahara syndrome; Early infantile epileptic encephalopathy; Early infantile epileptic encephalopathy with suppression bursts. Identifiers: Orphanet 1934, MedGen C0393706, MONDO:0800491.

Submission:

Labcorp Genetics (formerly Invitae), Labcorp
Classification: Uncertain significance for Early-infantile DEE. Last evaluated: 2020-11-03. Review status: criteria provided, single submitter. Criteria: Invitae Variant Classification Sherloc (09022015). Collection method: clinical testing. Allele origin: germline.
Comment: In summary, the available evidence is currently insufficient to determine the role of this variant in disease. Therefore, it has been classified as a Variant of Uncertain Significance. Advanced modeling of protein sequence and biophysical properties (such as structural, functional, and spatial information, amino acid conservation, physicochemical variation, residue mobility, and thermodynamic stability) performed at Invitae indicates that this missense variant is expected to disrupt SCN1A protein function. This sequence change replaces phenylalanine with valine at codon 1373 of the SCN1A protein (p.Phe1373Val). The phenylalanine residue is highly conserved and there is a small physicochemical difference between phenylalanine and valine. This variant is not present in population databases (ExAC no frequency). This variant has not been reported in the literature in individuals with SCN1A-related conditions.

NM_001165963.4(SCN1A):c.4117T>G (p.Phe1373Val)

Genes: SCN1A (sodium voltage-gated channel alpha subunit 1; minus strand), LOC102724058 (uncharacterized LOC102724058; plus strand). Cytogenetic location: 2q24.3.
Variant type: single nucleotide variant.
Coding change: c.4117T>G on transcript NM_001165963.4 (MANE Select); coding-DNA position 4117, T replaced by G.
Protein change: p.Phe1373Val; replaces phenylalanine 1373 with valine.
Molecular consequence: missense variant. On other transcripts: non-coding transcript variant (1).
Genome position (GRCh38, 1-based): chr2:166,002,639, A>C on the plus strand (T>G on the coding strand, the complement: SCN1A is on the minus strand). VCF-style: chr2-166002639-A-C. GRCh37 (hg19) VCF-style: chr2-166859149-A-C.
Other names: c.4033T>G, p.Phe1345Val (NM_001165964.3, NM_001353957.2, NM_001353958.2); c.4117T>G, p.Phe1373Val (NM_001202435.3, NM_001353948.2); c.4084T>G, p.Phe1362Val (NM_001353949.2, NM_001353950.2, NM_001353951.2 and 2 more transcripts); c.4081T>G, p.Phe1361Val (NM_001353954.2, NM_001353955.2); c.4030T>G, p.Phe1344Val (NM_001353960.2); c.1675T>G, p.Phe559Val (NM_001353961.2); short protein forms F1344V, F1362V, F559V, F1373V, F1345V, F1361V.
Identifiers: ClinVar variation 1524876 (VCV001524876.9), dbSNP rs2105509471, ClinGen allele CA349050399.